The following is an entry in ClinVar:

ClinVar aggregate classification (germline): Pathogenic (1 of 4 stars; one submission).

Conditions:
Bethlem myopathy 1A. Also called: Bethlem Muscular Dystrophy; MYOPATHY, BENIGN CONGENITAL, WITH CONTRACTURES; Bethlem myopathy 1. Identifiers: Orphanet 610, MedGen CN029274, MONDO:0024530, OMIM 158810.

Submission:

Labcorp Genetics (formerly Invitae), Labcorp
Classification: Pathogenic for Bethlem myopathy 1A. Last evaluated: 2020-10-05. Review status: criteria provided, single submitter. Criteria: Invitae Variant Classification Sherloc (09022015). Collection method: clinical testing. Allele origin: germline.
Comment: This sequence change creates a premature translational stop signal (p.Gln675*) in the COL6A2 gene. It is expected to result in an absent or disrupted protein product. This variant is not present in population databases (ExAC no frequency). This variant has not been reported in the literature in individuals with COL6A2-related conditions. Loss-of-function variants in COL6A2 are known to be pathogenic (PMID: 19884007, 20976770). For these reasons, this variant has been classified as Pathogenic.

Literature cited by the submitters: PubMed 19884007; PubMed 20976770.

NM_001849.4(COL6A2):c.2023C>T (p.Gln675Ter)

Gene: COL6A2 (collagen type VI alpha 2 chain; plus strand). Cytogenetic location: 21q22.3.
Variant type: single nucleotide variant.
Coding change: c.2023C>T on transcript NM_001849.4 (MANE Select); coding-DNA position 2023, C replaced by T.
Protein change: p.Gln675Ter; replaces glutamine 675 with a stop codon.
Molecular consequence: nonsense.
Genome position (GRCh38, 1-based): chr21:46,125,838, C>T. VCF-style: chr21-46125838-C-T. GRCh37 (hg19) VCF-style: chr21-47545752-C-T.
Other names: c.2023C>T, p.Gln675Ter (NM_058174.3, NM_058175.3); short protein forms Q675*.
Identifiers: ClinVar variation 1070123 (VCV001070123.2), dbSNP rs1293736497, ClinGen allele CA410539885.
Genomic context (GRCh38, chr21:46,125,838, plus strand): 5'-CTTGCAGGGACGCGTGTGGGCGTGGTGCAGTACAGCCACGAGGGCACCTTTGAGGCCATC[C>T]AGCTGGACGACGAACGTATCGACTCCCTGTCGAGCTTCAAGGAGGCTGTCAAGAACCTCG-3'